The following is an entry in ClinVar:

NM_015386.3(COG4):c.845-18T>C

Gene: COG4 (component of oligomeric golgi complex 4; minus strand). Cytogenetic location: 16q22.1.
Variant type: single nucleotide variant.
Coding change: c.845-18T>C on transcript NM_015386.3 (MANE Select); 18 bases into the intron before coding-DNA position 845, T replaced by C.
Molecular consequence: intron variant.
Genome position (GRCh38, 1-based): chr16:70,509,406, A>G on the plus strand (T>C on the coding strand, the complement: COG4 is on the minus strand). VCF-style: chr16-70509406-A-G. GRCh37 (hg19) VCF-style: chr16-70543309-A-G.
Other names: c.833-18T>C (NM_001195139.2); c.419-18T>C (NM_001365426.1).
Identifiers: ClinVar variation 380088 (VCV000380088.12), dbSNP rs116746214, ClinGen allele CA8144554.

ClinVar aggregate classification (germline): Benign/Likely benign. Review status: criteria provided, multiple submitters, no conflicts (2 of 4 stars). 4 submissions from 4 submitters: Benign (3); Likely benign (1). Last evaluated 2026-01-28.

Conditions:
COG4-congenital disorder of glycosylation. Also called: COG4-CDG; CONGENITAL DISORDER OF GLYCOSYLATION, TYPE IIj; CDG IIj. Identifiers: Orphanet 263501, MedGen C4303552, MONDO:0013281, OMIM 613489.
Microcephalic osteodysplastic dysplasia, Saul-Wilson type. Also called: MICROCEPHALIC OSTEODYSPLASTIC DYSPLASIA; Saul-Wilson Syndrome. Identifiers: Orphanet 85172, MedGen C4509877, MONDO:0019407, OMIM 618150.

Allele frequency attached by ClinVar (database versions not stated): gnomAD exomes 0.00132 and 0.00335; ExAC 0.00414; gnomAD 0.01264 and 0.01342; ESP Exome Variant Server 0.01400; TOPMed 0.01425; 1000 Genomes Project 0.01498; 1000 Genomes Project 30x 0.01562.
gnomAD v4.1: 3,929 of 1,613,948 alleles (0.24%); highest among the groups gnomAD compares: African/African-American, 4.4%; 90 homozygotes.

Submissions (4):

Labcorp Genetics (formerly Invitae), Labcorp
Classification: Benign for COG4-congenital disorder of glycosylation. Last evaluated: 2026-01-28. Review status: criteria provided, single submitter. Criteria: Invitae Variant Classification Sherloc (09022015). Collection method: clinical testing. Allele origin: germline.

Fulgent Genetics
Classification: Likely benign for COG4-congenital disorder of glycosylation; Microcephalic osteodysplastic dysplasia, Saul-Wilson type. Last evaluated: 2021-10-08. Review status: criteria provided, single submitter. Criteria: ACMG Guidelines, 2015. Collection method: clinical testing. Allele origin: unknown.

GeneDx
Classification: Benign. Last evaluated: 2016-12-01. Review status: criteria provided, single submitter. Criteria: GeneDx Variant Classification (06012015). Collection method: clinical testing. Allele origin: germline. Affected: yes.
Comment: This variant is considered likely benign or benign based on one or more of the following criteria: it is a conservative change, it occurs at a poorly conserved position in the protein, it is predicted to be benign by multiple in silico algorithms, and/or has population frequency not consistent with disease.

Breakthrough Genomics
Classification: Benign. Review status: criteria provided, single submitter. Criteria: ACMG Guidelines, 2015. Collection method: not provided. Allele origin: germline. Inheritance: Autosomal recessive inheritance. Affected: yes.